The following is an entry in ClinVar:

NM_000214.3(JAG1):c.3478G>A (p.Asp1160Asn)

Gene: JAG1 (jagged canonical Notch ligand 1; minus strand). Cytogenetic location: 20p12.2.
Variant type: single nucleotide variant.
Coding change: c.3478G>A on transcript NM_000214.3 (MANE Select); coding-DNA position 3478, G replaced by A.
Protein change: p.Asp1160Asn; replaces aspartic acid 1160 with asparagine.
Molecular consequence: missense variant.
Genome position (GRCh38, 1-based): chr20:10,639,677, C>T on the plus strand (G>A on the coding strand, the complement: JAG1 is on the minus strand). VCF-style: chr20-10639677-C-T. GRCh37 (hg19) VCF-style: chr20-10620325-C-T.
Other names: p.Asp1160Asn; c.3478G>A (NM_000214.2); short protein forms D1160N.
Identifiers: ClinVar variation 1472958 (VCV001472958.12), dbSNP rs755047447, ClinGen allele CA9764204.
Genomic context (GRCh38, chr20:10,639,677, plus strand): 5'-CTACCAGCGTGTACGCCGGCTGCTTGGCAAACCGGGCTTTCTGCTGGTGTTTGTCCATGT[C>T]GTCCTCTTCTACTTCAGAATTGTGTGTCCTTATTTTAGACATTTTGGAGTTCTTGTTCTC-3'
Protein context (NP_000205.1, residues 1150-1170): RTHNSEVEED[Asp1160Asn]MDKHQQKARF

ClinVar aggregate classification (germline): Conflicting classifications of pathogenicity. Review status: criteria provided, conflicting classifications (1 of 4 stars). 5 submissions from 5 submitters: Uncertain significance (3); Benign (1); Likely benign (1). Last evaluated 2025-07-27.

Conditions:
Cardiovascular phenotype. Identifiers: MedGen CN230736.
Alagille syndrome due to a JAG1 point mutation. Also called: JAG1-Related Alagille Syndrome; Alagille Syndrome 1; HEPATIC DUCTULAR HYPOPLASIA, SYNDROMATIC. Identifiers: Orphanet 261619, Orphanet 52, MedGen C1956125, MONDO:0016862, OMIM 118450.
Charcot-Marie-Tooth disease, axonal, Type 2HH. Also called: CHARCOT-MARIE-TOOTH NEUROPATHY, TYPE 2HH. Identifiers: MedGen C5562003, MONDO:0030458, OMIM 619574.
Deafness, congenital heart defects, and posterior embryotoxon (DCHE). Identifiers: MedGen C1866053, MONDO:0060713, OMIM 617992.
Tetralogy of Fallot (TOF). Identifiers: Orphanet 3303, MedGen C0039685, MONDO:0008542, OMIM 187500, HP:0001636.

Allele frequency attached by ClinVar (database versions not stated): gnomAD 0.00003; gnomAD exomes 0.00003 and 0.00006; ExAC 0.00005; TOPMed 0.00007.
gnomAD v4.1: 84 of 1,614,060 alleles (0.0052%); highest among the groups gnomAD compares: Admixed American, 0.0083%; no homozygotes.

Submissions (5):

Labcorp Genetics (formerly Invitae), Labcorp
Classification: Likely benign for Alagille syndrome due to a JAG1 point mutation. Last evaluated: 2025-07-27. Review status: criteria provided, single submitter. Criteria: Invitae Variant Classification Sherloc (09022015). Collection method: clinical testing. Allele origin: germline.

Ambry Genetics
Classification: Benign for Cardiovascular phenotype. Last evaluated: 2025-04-23. Review status: criteria provided, single submitter. Criteria: Ambry Variant Classification Scheme 2023. Collection method: clinical testing. Allele origin: germline.

Fulgent Genetics
Classification: Uncertain significance for Alagille syndrome due to a JAG1 point mutation; Tetralogy of Fallot; Deafness, congenital heart defects, and posterior embryotoxon; Charcot-Marie-Tooth disease, axonal, Type 2HH. Last evaluated: 2024-01-10. Review status: criteria provided, single submitter. Criteria: ACMG Guidelines, 2015. Collection method: clinical testing. Allele origin: germline.

Mayo Clinic Laboratories, Mayo Clinic
Classification: Uncertain significance. Last evaluated: 2022-02-08. Review status: criteria provided, single submitter. Criteria: ACMG Guidelines, 2015. Collection method: clinical testing. Allele origin: germline. Observed: 1 variant allele.
Comment: BS1

Juno Genomics, Hangzhou Juno Genomics, Inc
Classification: Uncertain significance for Deafness, congenital heart defects, and posterior embryotoxon; Alagille syndrome due to a JAG1 point mutation; Charcot-Marie-Tooth disease, axonal, Type 2HH; Tetralogy of Fallot. Review status: criteria provided, single submitter. Criteria: ACMG Guidelines, 2015. Collection method: clinical testing. Allele origin: germline.
Comment: Absent from controls (or at extremely low frequency if recessive) in Genome Aggregation Database.;Missense variant in a gene that has a low rate of benign missense variation.